The following is an entry in ClinVar:

NM_001370259.2(MEN1):c.1A>C (p.Met1Leu)

Gene: MEN1 (menin 1; minus strand). Cytogenetic location: 11q13.1.
Variant type: single nucleotide variant.
Coding change: c.1A>C on transcript NM_001370259.2 (MANE Select); coding-DNA position 1, A replaced by C.
Protein change: p.Met1Leu; changes the start codon (methionine 1).
Molecular consequence: missense variant, initiator codon variant.
Genome position (GRCh38, 1-based): chr11:64,810,109, T>G on the plus strand (A>C on the coding strand, the complement: MEN1 is on the minus strand). VCF-style: chr11-64810109-T-G. GRCh37 (hg19) VCF-style: chr11-64577581-T-G.
Other names: c.1A>C, p.Met1Leu (NM_000244.4, NM_001370251.2, NM_001370260.2 and 9 more transcripts); short protein forms M1L.
Identifiers: ClinVar variation 850884 (VCV000850884.10), dbSNP rs386134250, ClinGen allele CA381188345.

ClinVar aggregate classification (germline): Pathogenic. Review status: criteria provided, multiple submitters, no conflicts (2 of 4 stars). 2 submissions from 2 submitters: Pathogenic (2). Last evaluated 2025-06-16.

Conditions:
Hereditary cancer-predisposing syndrome. Also called: Neoplastic Syndromes, Hereditary; Hereditary Cancer Syndrome; Hereditary neoplastic syndrome; Tumor predisposition. Identifiers: Orphanet 140162, MedGen C0027672, MeSH D009386, MONDO:0015356.
Multiple endocrine neoplasia, type 1 (MEN1). Also called: MEN I; WERMER SYNDROME; Endocrine adenomatosis multiple; MEN 1; MEA I. Identifiers: Orphanet 652, MedGen C0025267, MeSH D018761, MONDO:0007540, OMIM 131100.

Submissions (2):

Labcorp Genetics (formerly Invitae), Labcorp
Classification: Pathogenic for Multiple endocrine neoplasia, type 1. Last evaluated: 2025-06-16. Review status: criteria provided, single submitter. Criteria: Invitae Variant Classification Sherloc (09022015). Collection method: clinical testing. Allele origin: germline.
Comment: This sequence change affects the initiator codon of the MEN1 mRNA. This change may impact translation initiation or efficiency. The next in-frame methionine is located at codon 228. The frequency data for this variant in the population databases is considered unreliable, as metrics indicate poor data quality at this position in the gnomAD database. Disruption of the initiator codon has been observed in individuals with multiple endocrine neoplasia, type 1 (PMID: 28736585, 29036195; UMD, internal data). ClinVar contains an entry for this variant (Variation ID: 850884). For these reasons, this variant has been classified as Pathogenic.

Ambry Genetics
Classification: Pathogenic for Hereditary cancer-predisposing syndrome. Last evaluated: 2023-07-07. Review status: criteria provided, single submitter. Criteria: Ambry Variant Classification Scheme 2023. Collection method: clinical testing. Allele origin: germline.
Comment: The p.M1? pathogenic mutation (also known as c.1A>C) is located in coding exon 1 of the MEN1 gene and results from a A to C substitution at nucleotide position 1. This alters the methionine residue at the initiation codon (ATG). Different substitutions impacting the same initiation codon (c.1A>G, c.1A>T, c.2T>C and c.2T>G) have been detected in individuals with features or clinical diagnoses of multiple endocrine neoplasia type 1 and familial isolated hyperparathyroidism (Ambry internal data; Villablanca A et al. Eur. J. Endocrinol. 2002 Sep;147(3):313-22; Klein RD et al. Genet. Med. 2005 Feb;7(2):131-8; Ventura M et al. Arch Endocrinol Metab, 2019 Sep;63:516-523; Romanet P et al. J Clin Endocrinol Metab, 2019 03;104:753-764). Sequence variations that modify the initiation codon are expected to result in either loss of translation initiation, N-terminal truncation, or cause a shift in the mRNA reading frame. Based on the supporting evidence, this alteration is interpreted as a disease-causing mutation.

Literature cited by the submitters: PubMed 28736585 (cited by Labcorp Genetics (formerly Invitae), Labcorp); PubMed 29036195 (cited by Labcorp Genetics (formerly Invitae), Labcorp).